The following is an entry in ClinVar:

ClinVar aggregate classification (germline): Uncertain significance. Review status: criteria provided, multiple submitters, no conflicts (2 of 4 stars). 4 submissions from 4 submitters: Uncertain significance (4). Last evaluated 2025-11-24.

Conditions:
Familial cancer of breast. Also called: Hereditary breast cancer; BREAST CANCER, FAMILIAL; hereditary breast carcinoma. Identifiers: Orphanet 227535, MedGen C0346153, MONDO:0016419, OMIM 114480. Disease mechanism: loss of function.
Fanconi anemia complementation group J. Also called: BRIP1-Related Fanconi Anemia. Identifiers: Orphanet 84, MedGen C1836860, MONDO:0012187, OMIM 609054.
Hereditary cancer-predisposing syndrome. Also called: Neoplastic Syndromes, Hereditary; Hereditary neoplastic syndrome; Tumor predisposition; Hereditary Cancer Syndrome. Identifiers: Orphanet 140162, MedGen C0027672, MeSH D009386, MONDO:0015356.

Allele frequency attached by ClinVar (database versions not stated): gnomAD exomes below 0.00001; ExAC 0.00001; gnomAD 0.00001; TOPMed 0.00002; ESP Exome Variant Server 0.00008.
gnomAD v4.1: 3 of 1,608,578 alleles (0.00019%); highest among the groups gnomAD compares: African/African-American, 0.0027%; no homozygotes.

Submissions (4):

Ambry Genetics
Classification: Uncertain significance for Hereditary cancer-predisposing syndrome. Last evaluated: 2025-11-24. Review status: criteria provided, single submitter. Criteria: Ambry Variant Classification Scheme 2023. Collection method: clinical testing. Allele origin: germline.
Comment: The p.F600L variant (also known as c.1800T>G), located in coding exon 12 of the BRIP1 gene, results from a T to G substitution at nucleotide position 1800. The phenylalanine at codon 600 is replaced by leucine, an amino acid with highly similar properties. This amino acid position is highly conserved in available vertebrate species. In addition, the in silico prediction for this alteration is inconclusive. Since supporting evidence is limited at this time, the clinical significance of this alteration remains unclear.

Labcorp Genetics (formerly Invitae), Labcorp
Classification: Uncertain significance for Familial cancer of breast; Fanconi anemia complementation group J. Last evaluated: 2025-08-07. Review status: criteria provided, single submitter. Criteria: Invitae Variant Classification Sherloc (09022015). Collection method: clinical testing. Allele origin: germline.
Comment: This sequence change replaces phenylalanine, which is neutral and non-polar, with leucine, which is neutral and non-polar, at codon 600 of the BRIP1 protein (p.Phe600Leu). This variant is present in population databases (rs375625993, gnomAD 0.007%). This variant has not been reported in the literature in individuals affected with BRIP1-related conditions. ClinVar contains an entry for this variant (Variation ID: 661883). Invitae Evidence Modeling of protein sequence and biophysical properties (such as structural, functional, and spatial information, amino acid conservation, physicochemical variation, residue mobility, and thermodynamic stability) has been performed for this missense variant. However, the output from this modeling did not meet the statistical confidence thresholds required to predict the impact of this variant on BRIP1 protein function. In summary, the available evidence is currently insufficient to determine the role of this variant in disease. Therefore, it has been classified as a Variant of Uncertain Significance.

Color Diagnostics, LLC DBA Color Health
Classification: Uncertain significance for Hereditary cancer-predisposing syndrome. Last evaluated: 2024-03-06. Review status: criteria provided, single submitter. Criteria: ACMG Guidelines, 2015. Collection method: clinical testing. Allele origin: germline.
Comment: This missense variant replaces phenylalanine with leucine at codon 600 of the BRIP1 protein. Computational prediction suggests that this variant may not impact protein structure and function (internally defined REVEL score threshold <= 0.5, PMID: 27666373). To our knowledge, functional studies have not been reported for this variant. This variant has not been reported in individuals affected with hereditary cancer in the literature. This variant has been identified in 1/251362 chromosomes in the general population by the Genome Aggregation Database (gnomAD). The available evidence is insufficient to determine the role of this variant in disease conclusively. Therefore, this variant is classified as a Variant of Uncertain Significance.

Baylor Genetics
Classification: Uncertain significance for Familial cancer of breast. Last evaluated: 2023-11-27. Review status: criteria provided, single submitter. Criteria: ACMG Guidelines, 2015. Collection method: clinical testing. Allele origin: unknown.

NM_032043.3(BRIP1):c.1800T>G (p.Phe600Leu)

Gene: BRIP1 (BRCA1 interacting DNA helicase 1; minus strand). Cytogenetic location: 17q23.2.
Variant type: single nucleotide variant.
Coding change: c.1800T>G on transcript NM_032043.3 (MANE Select); coding-DNA position 1800, T replaced by G.
Protein change: p.Phe600Leu; replaces phenylalanine 600 with leucine.
Molecular consequence: missense variant.
Genome position (GRCh38, 1-based): chr17:61,780,396, A>C on the plus strand (T>G on the coding strand, the complement: BRIP1 is on the minus strand). VCF-style: chr17-61780396-A-C. GRCh37 (hg19) VCF-style: chr17-59857757-A-C.
Other names: short protein forms F600L.
Identifiers: ClinVar variation 661883 (VCV000661883.17), dbSNP rs375625993, ClinGen allele CA8690643.